The following is an entry in ClinVar:

ClinVar aggregate classification (germline): Uncertain significance (1 of 4 stars; one submission).

Conditions:
Vici syndrome (VICIS). Identifiers: Orphanet 1493, MedGen C1855772, MONDO:0009452, OMIM 242840.

Submission:

Labcorp Genetics (formerly Invitae), Labcorp
Classification: Uncertain significance for Vici syndrome. Last evaluated: 2025-02-02. Review status: criteria provided, single submitter. Criteria: Invitae Variant Classification Sherloc (09022015). Collection method: clinical testing. Allele origin: germline.
Comment: This variant, c.5467_5469del, results in the deletion of 1 amino acid(s) of the EPG5 protein (p.Leu1823del), but otherwise preserves the integrity of the reading frame. This variant is not present in population databases (gnomAD no frequency). This variant has not been reported in the literature in individuals affected with EPG5-related conditions. Experimental studies and prediction algorithms are not available or were not evaluated, and the functional significance of this variant is currently unknown. In summary, the available evidence is currently insufficient to determine the role of this variant in disease. Therefore, it has been classified as a Variant of Uncertain Significance.

NM_020964.3(EPG5):c.5467_5469del (p.Leu1823del)

Gene: EPG5 (ectopic P-granules 5 autophagy tethering factor; minus strand). Cytogenetic location: 18q12.3.
Variant type: Deletion.
Coding change: c.5467_5469del on transcript NM_020964.3 (MANE Select); coding-DNA positions 5467 to 5469, 3 bases deleted (CTC; older notation c.5467_5469delCTC).
Protein change: p.Leu1823del; deletes leucine 1823.
Molecular consequence: inframe deletion.
Genome position (GRCh38, 1-based): chr18:45,882,323-45,882,325, GAG deleted on the plus strand (CTC on the coding strand, the reverse complement: EPG5 is on the minus strand). VCF-style (leftmost placement, unchanged base first): chr18-45882322-AGAG-A. GRCh37 (hg19) VCF-style: chr18-43462287-AGAG-A.
Other names: c.5467_5469del, p.Leu1823del (NM_001410858.1, NM_001410859.1); short protein forms L1823del.
Identifiers: ClinVar variation 4711886 (VCV004711886.1).